The following is an entry in ClinVar:

ClinVar aggregate classification (germline): Pathogenic (1 of 4 stars; one submission).

Conditions:
Methylmalonic aciduria and homocystinuria type cblD (MAHCD). Also called: Methylmalonic aciduria with homocystinuria cblD type; METHYLMALONIC ACIDEMIA, cblH TYPE. Identifiers: Orphanet 622, Orphanet 79283, MedGen C1848552, MONDO:0010185, OMIM 277410.

Submission:

Labcorp Genetics (formerly Invitae), Labcorp
Classification: Pathogenic for Methylmalonic aciduria and homocystinuria type cblD. Last evaluated: 2021-10-05. Review status: criteria provided, single submitter. Criteria: Invitae Variant Classification Sherloc (09022015). Collection method: clinical testing. Allele origin: germline.
Comment: This variant is not present in population databases (ExAC no frequency). This variant has not been reported in the literature in individuals affected with MMADHC-related conditions. For these reasons, this variant has been classified as Pathogenic. This sequence change creates a premature translational stop signal (p.Tyr213Serfs*4) in the MMADHC gene. It is expected to result in an absent or disrupted protein product. Loss-of-function variants in MMADHC are known to be pathogenic (PMID: 18385497).

Literature cited by the submitters: PubMed 18385497.

NM_015702.3(MMADHC):c.638_642del (p.Tyr213fs)

Gene: MMADHC (metabolism of cobalamin associated D; minus strand). Cytogenetic location: 2q23.2.
Variant type: Deletion.
Coding change: c.638_642del on transcript NM_015702.3 (MANE Select); coding-DNA positions 638 to 642, 5 bases deleted (ATGCT; older notation c.638_642delATGCT).
Protein change: p.Tyr213fs; shifts the reading frame from tyrosine 213.
Molecular consequence: frameshift variant.
Genome position (GRCh38, 1-based): chr2:149,571,139-149,571,143, AGCAT deleted on the plus strand (ATGCT on the coding strand, the reverse complement: MMADHC is on the minus strand); deleting any 5 consecutive bases within chr2:149,571,139-149,571,147 gives the same sequence; the c. name uses the placement nearest the transcript's 3' end. VCF-style (leftmost placement, unchanged base first): chr2-149571138-GAGCAT-G. GRCh37 (hg19) VCF-style: chr2-150427652-GAGCAT-G.
Other names: short protein forms Y213fs.
Identifiers: ClinVar variation 1459027 (VCV001459027.6), dbSNP rs2105042265, ClinGen allele CA2573133310.